The following is an entry in ClinVar:

NM_000350.3(ABCA4):c.3308T>G (p.Leu1103Arg)

Gene: ABCA4 (ATP binding cassette subfamily A member 4; minus strand). Cytogenetic location: 1p22.1.
Variant type: single nucleotide variant.
Coding change: c.3308T>G on transcript NM_000350.3 (MANE Select); coding-DNA position 3308, T replaced by G.
Protein change: p.Leu1103Arg; replaces leucine 1103 with arginine.
Molecular consequence: missense variant.
Genome position (GRCh38, 1-based): chr1:94,042,781, A>C on the plus strand (T>G on the coding strand, the complement: ABCA4 is on the minus strand). VCF-style: chr1-94042781-A-C. GRCh37 (hg19) VCF-style: chr1-94508337-A-C.
Other names: c.3086T>G, p.Leu1029Arg (NM_001425324.1); short protein forms L1103R, L1029R.
Identifiers: ClinVar variation 1972899 (VCV001972899.6), dbSNP rs2523771313, ClinGen allele CA341291940.

ClinVar aggregate classification (germline): Pathogenic. Review status: criteria provided, single submitter (1 of 4 stars). 2 submissions from 2 submitters: Pathogenic (1). 1 of the submissions does not count toward it. Last evaluated 2024-08-14.

Conditions:
Severe early-childhood-onset retinal dystrophy (STGD1). Also called: Stargardt macular dystrophy; Juvenile onset macular degeneration; Stargardt disease 1; MACULAR DYSTROPHY WITH FLECKS, TYPE 1; STGD. Identifiers: Orphanet 364055, Orphanet 827, MedGen C1855465, MeSH D000080362, MONDO:0009549, OMIM 248200.

Submissions (2):

Labcorp Genetics (formerly Invitae), Labcorp
Classification: Pathogenic. Last evaluated: 2024-08-14. Review status: criteria provided, single submitter. Criteria: Invitae Variant Classification Sherloc (09022015). Collection method: clinical testing. Allele origin: germline.
Comment: This sequence change replaces leucine, which is neutral and non-polar, with arginine, which is basic and polar, at codon 1103 of the ABCA4 protein (p.Leu1103Arg). This variant is not present in population databases (gnomAD no frequency). This missense change has been observed in individual(s) with Stargardt disease (Invitae). ClinVar contains an entry for this variant (Variation ID: 1972899). Invitae Evidence Modeling of protein sequence and biophysical properties (such as structural, functional, and spatial information, amino acid conservation, physicochemical variation, residue mobility, and thermodynamic stability) indicates that this missense variant is expected to disrupt ABCA4 protein function with a positive predictive value of 95%. This variant disrupts the p.Leu1103 amino acid residue in ABCA4. Other variant(s) that disrupt this residue have been determined to be pathogenic (PMID: 32534057). This suggests that this residue is clinically significant, and that variants that disrupt this residue are likely to be disease-causing. For these reasons, this variant has been classified as Pathogenic.

Ophthalmo-Genetics Lab, Instituto de Oftalmologia Conde de Valenciana
Classification: Pathogenic for Severe early-childhood-onset retinal dystrophy. Review status: no assertion criteria provided. Collection method: research. Allele origin: germline. Inheritance: Autosomal recessive inheritance. Affected: yes. Not counted in ClinVar's aggregate classification.

Literature cited by the submitters: PubMed 32534057 (cited by Labcorp Genetics (formerly Invitae), Labcorp); PubMed 16703556 (cited by Ophthalmo-Genetics Lab, Instituto de Oftalmologia Conde de Valenciana).